The following is an entry in ClinVar:

NM_001291303.3(FAT4):c.548G>A (p.Gly183Glu)

Gene: FAT4 (FAT atypical cadherin 4; plus strand). Cytogenetic location: 4q28.1.
Variant type: single nucleotide variant.
Coding change: c.548G>A on transcript NM_001291303.3 (MANE Select); coding-DNA position 548, G replaced by A.
Protein change: p.Gly183Glu; replaces glycine 183 with glutamic acid.
Molecular consequence: missense variant.
Genome position (GRCh38, 1-based): chr4:125,316,959, G>A. VCF-style: chr4-125316959-G-A. GRCh37 (hg19) VCF-style: chr4-126238114-G-A.
Other names: c.548G>A (NM_024582.4); c.548G>A, p.Gly183Glu (NM_001291285.3, NM_024582.6); short protein forms G183E.
Identifiers: ClinVar variation 1430915 (VCV001430915.7), dbSNP rs771566742, ClinGen allele CA3071831.

ClinVar aggregate classification (germline): Uncertain significance. Review status: criteria provided, multiple submitters, no conflicts (2 of 4 stars). 2 submissions from 2 submitters: Uncertain significance (2). Last evaluated 2025-12-15.

Conditions:
Inborn genetic diseases. Identifiers: MedGen C0950123, MeSH D030342.

Allele frequency attached by ClinVar (database versions not stated): gnomAD exomes 0.00001 and 0.00002; ExAC 0.00002; gnomAD 0.00003 and 0.00004; TOPMed 0.00004.
gnomAD v4.1: 37 of 1,613,820 alleles (0.0023%); highest among the groups gnomAD compares: Admixed American, 0.0033%; no homozygotes.

Submissions (2):

Labcorp Genetics (formerly Invitae), Labcorp
Classification: Uncertain significance. Last evaluated: 2025-12-15. Review status: criteria provided, single submitter. Criteria: Invitae Variant Classification Sherloc (09022015). Collection method: clinical testing. Allele origin: germline.
Comment: This sequence change replaces glycine, which is neutral and non-polar, with glutamic acid, which is acidic and polar, at codon 183 of the FAT4 protein (p.Gly183Glu). This variant is present in population databases (rs771566742, gnomAD 0.003%). This variant has not been reported in the literature in individuals affected with FAT4-related conditions. ClinVar contains an entry for this variant (Variation ID: 1430915). Invitae Evidence Modeling of protein sequence and biophysical properties (such as structural, functional, and spatial information, amino acid conservation, physicochemical variation, residue mobility, and thermodynamic stability) indicates that this missense variant is not expected to disrupt FAT4 protein function with a negative predictive value of 95%. In summary, the available evidence is currently insufficient to determine the role of this variant in disease. Therefore, it has been classified as a Variant of Uncertain Significance.

Ambry Genetics
Classification: Uncertain significance for Inborn genetic diseases. Last evaluated: 2022-01-27. Review status: criteria provided, single submitter. Criteria: Ambry Variant Classification Scheme 2023. Collection method: clinical testing. Allele origin: germline.